The following is an entry in ClinVar:

NM_006231.4(POLE):c.160A>G (p.Lys54Glu)

Gene: POLE (DNA polymerase epsilon, catalytic subunit; minus strand). Cytogenetic location: 12q24.33.
Variant type: single nucleotide variant.
Coding change: c.160A>G on transcript NM_006231.4 (MANE Select); coding-DNA position 160, A replaced by G.
Protein change: p.Lys54Glu; replaces lysine 54 with glutamic acid.
Molecular consequence: missense variant.
Genome position (GRCh38, 1-based): chr12:132,681,182, T>C on the plus strand (A>G on the coding strand, the complement: POLE is on the minus strand). VCF-style: chr12-132681182-T-C. GRCh37 (hg19) VCF-style: chr12-133257768-T-C.
Other names: short protein forms K54E.
Identifiers: ClinVar variation 1776354 (VCV001776354.2), dbSNP rs2136033951, ClinGen allele CA387369909.

ClinVar aggregate classification (germline): Uncertain significance (1 of 4 stars; one submission).

Conditions:
Hereditary cancer-predisposing syndrome. Also called: Neoplastic Syndromes, Hereditary; Tumor predisposition; Hereditary Cancer Syndrome; Hereditary neoplastic syndrome. Identifiers: Orphanet 140162, MedGen C0027672, MeSH D009386, MONDO:0015356.

Submission:

Ambry Genetics
Classification: Uncertain significance for Hereditary cancer-predisposing syndrome. Last evaluated: 2022-06-01. Review status: criteria provided, single submitter. Criteria: Ambry Variant Classification Scheme 2023. Collection method: clinical testing. Allele origin: germline.
Comment: The p.K54E variant (also known as c.160A>G), located in coding exon 2 of the POLE gene, results from an A to G substitution at nucleotide position 160. The lysine at codon 54 is replaced by glutamic acid, an amino acid with similar properties. This amino acid position is conserved. In addition, this alteration is predicted to be tolerated by in silico analysis. Since supporting evidence is limited at this time, the clinical significance of this alteration remains unclear.